The following is an entry in ClinVar:

ClinVar aggregate classification (germline): Pathogenic. Review status: criteria provided, single submitter (1 of 4 stars). 2 submissions from 2 submitters: Pathogenic (1). 1 of the submissions does not count toward it. Last evaluated 2025-08-21.

Conditions:
Ornithine carbamoyltransferase deficiency (OTCD). Also called: ORNITHINE TRANSCARBAMYLASE DEFICIENCY, HYPERAMMONEMIA DUE TO; ORNITHINE TRANSCARBAMYLASE DEFICIENCY; OTC DEFICIENCY; Ornithine Carbamoyltransferase Deficiency Disease. Identifiers: Orphanet 664, MedGen C0268542, MONDO:0010703, OMIM 311250.

Submissions (2):

Labcorp Genetics (formerly Invitae), Labcorp
Classification: Pathogenic for Ornithine carbamoyltransferase deficiency. Last evaluated: 2025-08-21. Review status: criteria provided, single submitter. Criteria: Invitae Variant Classification Sherloc (09022015). Collection method: clinical testing. Allele origin: germline.
Comment: This sequence change replaces methionine, which is neutral and non-polar, with valine, which is neutral and non-polar, at codon 205 of the OTC protein (p.Met205Val). This variant is not present in population databases (gnomAD no frequency). This missense change has been observed in individual(s) with OTC deficiency and/or a possible diagnosis of OTC deficiency (PMID: 11117428; internal data). In at least one individual the variant was observed to be de novo. ClinVar contains an entry for this variant (Variation ID: 97270). Invitae Evidence Modeling of protein sequence and biophysical properties (such as structural, functional, and spatial information, amino acid conservation, physicochemical variation, residue mobility, and thermodynamic stability) indicates that this missense variant is expected to disrupt OTC protein function with a positive predictive value of 95%. For these reasons, this variant has been classified as Pathogenic.

GenMed Metabolism Lab
Classification: Pathogenic. Review status: no assertion criteria provided. Collection method: not provided. Allele origin: unknown. Not counted in ClinVar's aggregate classification.
Comment: p.Met205Val, Neonatal
ClinVar note: Converted during submission from pathogenic to Pathogenic.

Literature cited by the submitters: PubMed 11117428 (cited by Labcorp Genetics (formerly Invitae), Labcorp).

NM_000531.6(OTC):c.613A>G (p.Met205Val)

Gene: OTC (ornithine transcarbamylase; plus strand). Cytogenetic location: Xp11.4.
Variant type: single nucleotide variant.
Coding change: c.613A>G on transcript NM_000531.6 (MANE Select); coding-DNA position 613, A replaced by G.
Protein change: p.Met205Val; replaces methionine 205 with valine.
Molecular consequence: missense variant.
Genome position (GRCh38, 1-based): chrX:38,403,690, A>G. VCF-style: chrX-38403690-A-G. GRCh37 (hg19) VCF-style: chrX-38262943-A-G.
Other names: short protein forms M205V.
Identifiers: ClinVar variation 97270 (VCV000097270.8), dbSNP rs72558411, ClinGen allele CA224709.